The following is an entry in ClinVar:

ClinVar aggregate classification (germline): Likely pathogenic. Review status: criteria provided, multiple submitters, no conflicts (2 of 4 stars). 2 submissions from 2 submitters: Likely pathogenic (2). Last evaluated 2024-01-21.

Conditions:
Cardiovascular phenotype. Identifiers: MedGen CN230736.
Autosomal recessive limb-girdle muscular dystrophy type 2J (LGMDR10). Also called: Limb-girdle muscular dystrophy, type 2J; MUSCULAR DYSTROPHY, LIMB-GIRDLE, AUTOSOMAL RECESSIVE 10. Identifiers: Orphanet 140922, MedGen C1837342, MONDO:0012127, OMIM 608807.
Dilated cardiomyopathy 1G (CMD1G). Identifiers: Orphanet 154, MedGen C1858763, MONDO:0011400, OMIM 604145.

Submissions (2):

Labcorp Genetics (formerly Invitae), Labcorp
Classification: Likely pathogenic for Dilated cardiomyopathy 1G; Autosomal recessive limb-girdle muscular dystrophy type 2J. Last evaluated: 2024-01-21. Review status: criteria provided, single submitter. Criteria: Invitae Variant Classification Sherloc (09022015). Collection method: clinical testing. Allele origin: germline.
Comment: This sequence change creates a premature translational stop signal (p.Trp29245Leufs*4) in the TTN gene. While this is not anticipated to result in nonsense mediated decay, it is expected to create a truncated TTN protein. This variant is not present in population databases (gnomAD no frequency). This variant has not been reported in the literature in individuals affected with TTN-related conditions. ClinVar contains an entry for this variant (Variation ID: 535005). This variant is located in the A band of TTN (PMID: 25589632). Truncating variants in this region are significantly overrepresented in patients affected with dilated cardiomyopathy (PMID: 25589632). Truncating variants in this region have also been reported in individuals affected with autosomal recessive centronuclear myopathy (PMID: 23975875). In summary, the currently available evidence indicates that the variant is pathogenic, but additional data are needed to prove that conclusively. Therefore, this variant has been classified as Likely Pathogenic.

Ambry Genetics
Classification: Likely pathogenic for Cardiovascular phenotype. Last evaluated: 2023-04-14. Review status: criteria provided, single submitter. Criteria: Ambry Variant Classification Scheme 2023. Collection method: clinical testing. Allele origin: germline.
Comment: The c.60538dupT variant, located in coding exon 156 of the TTN gene, results from a duplication of T at nucleotide position 60538, causing a translational frameshift with a predicted alternate stop codon (p.W20180Lfs*4). This exon is located in the A-band region of the N2-B isoform of the titin protein and is constitutively expressed in TTN transcripts (percent spliced in or PSI 100%). This variant is considered to be rare based on population cohorts in the Genome Aggregation Database (gnomAD). This alteration is expected to result in loss of function by premature protein truncation or nonsense-mediated mRNA decay. While truncating variants in TTN are present in 1-3% of the general population, truncating variants in the A-band are the most common cause of dilated cardiomyopathy (DCM) (Herman DS et al. N. Engl. J. Med., 2012 Feb;366:619-28; Roberts AM et al. Sci Transl Med, 2015 Jan;7:270ra6). TTN truncating variants encoded in constitutive exons (PSI >90%) have been found to be significantly associated with DCM regardless of their position in titin (Schafer S et al. Nat. Genet., 2017 01;49:46-53). Based on the majority of available evidence to date, this variant is likely to be pathogenic.

Literature cited by the submitters: PubMed 25589632 (cited by Labcorp Genetics (formerly Invitae), Labcorp); PubMed 23975875 (cited by Labcorp Genetics (formerly Invitae), Labcorp).

NM_001267550.2(TTN):c.87733dup (p.Trp29245fs)

Genes: TTN-AS1 (TTN antisense RNA 1; plus strand), TTN (titin; minus strand). Cytogenetic location: 2q31.2.
Variant type: Duplication.
Coding change: c.87733dup on transcript NM_001267550.2 (MANE Select); coding-DNA position 87733, one base duplicated (T; older notation c.87733dupT).
Protein change: p.Trp29245fs; shifts the reading frame from tryptophan 29245.
Molecular consequence: frameshift variant.
Genome position (GRCh38, 1-based): chr2:178,557,529, A duplicated on the plus strand (T on the coding strand, the reverse complement: TTN is on the minus strand). VCF-style (leftmost placement, unchanged base first): chr2-178557528-C-CA. GRCh37 (hg19) VCF-style: chr2-179422255-C-CA.
Other names: c.87733dupT (NM_001267550.2); c.82810dup, p.Trp27604fs (NM_001256850.1); c.60538dup, p.Trp20180fs (NM_003319.4); c.80029dup, p.Trp26677fs (NM_133378.4); c.60913dup, p.Trp20305fs (NM_133432.3); c.61114dup, p.Trp20372fs (NM_133437.4); c.60538dupT (NM_003319.4); short protein forms W29245fs, W20180fs, W20305fs, W26677fs, W27604fs, W20372fs.
Identifiers: ClinVar variation 535005 (VCV000535005.11), dbSNP rs1553553671, ClinGen allele CA658795978.